The following is an entry in ClinVar:

ClinVar aggregate classification (germline): Uncertain significance (1 of 4 stars; one submission).

Conditions:
Encephalopathy, acute, infection-induced (herpes-specific), susceptibility to, 1. Also called: Herpes simplex encephalitis, susceptibility to, 1. Identifiers: Orphanet 1930, MedGen C2750180, MONDO:0024563, OMIM 610551.

Allele frequency attached by ClinVar (database versions not stated): gnomAD exomes 0.00001.
gnomAD v4.1: 1 of 1,492,828 alleles (0.000067%); highest among the groups gnomAD compares: South Asian, 0.0013%; no homozygotes.

Submission:

Labcorp Genetics (formerly Invitae), Labcorp
Classification: Uncertain significance for Encephalopathy, acute, infection-induced (herpes-specific), susceptibility to, 1. Last evaluated: 2021-10-02. Review status: criteria provided, single submitter. Criteria: Invitae Variant Classification Sherloc (09022015). Collection method: clinical testing. Allele origin: germline.
Comment: This sequence change replaces glutamic acid with lysine at codon 35 of the UNC93B1 protein (p.Glu35Lys). The glutamic acid residue is weakly conserved and there is a small physicochemical difference between glutamic acid and lysine. In summary, the available evidence is currently insufficient to determine the role of this variant in disease. Therefore, it has been classified as a Variant of Uncertain Significance. Experimental studies and prediction algorithms are not available or were not evaluated, and the functional significance of this variant is currently unknown. This variant has not been reported in the literature in individuals affected with UNC93B1-related conditions. The frequency data for this variant in the population databases is considered unreliable, as metrics indicate insufficient coverage at this position in the ExAC database.

NM_030930.4(UNC93B1):c.103G>A (p.Glu35Lys)

Genes: UNC93B1 (unc-93B1 regulator of TLR signaling; minus strand), LOC130006235 (ATAC-STARR-seq lymphoblastoid silent region 3653; plus strand). Cytogenetic location: 11q13.2.
Variant type: single nucleotide variant.
Coding change: c.103G>A on transcript NM_030930.4 (MANE Select); coding-DNA position 103, G replaced by A.
Protein change: p.Glu35Lys; replaces glutamic acid 35 with lysine.
Molecular consequence: missense variant.
Genome position (GRCh38, 1-based): chr11:68,003,792, C>T on the plus strand (G>A on the coding strand, the complement: UNC93B1 is on the minus strand). VCF-style: chr11-68003792-C-T. GRCh37 (hg19) VCF-style: chr11-67771262-C-T.
Other names: short protein forms E35K.
Identifiers: ClinVar variation 1496906 (VCV001496906.6), dbSNP rs1442663723, ClinGen allele CA381579671.